The following is an entry in ClinVar:

ClinVar aggregate classification (germline): Uncertain significance (1 of 4 stars; one submission).

Allele frequency attached by ClinVar (database versions not stated): gnomAD exomes 0.00005; ExAC 0.00006; ESP Exome Variant Server 0.00008; gnomAD 0.00012 and 0.00013; TOPMed 0.00016.
gnomAD v4.1: 68 of 1,611,846 alleles (0.0042%); highest among the groups gnomAD compares: Admixed American, 0.023%; no homozygotes.

Submission:

Labcorp Genetics (formerly Invitae), Labcorp
Classification: Uncertain significance. Last evaluated: 2025-08-15. Review status: criteria provided, single submitter. Criteria: Invitae Variant Classification Sherloc (09022015). Collection method: clinical testing. Allele origin: germline.
Comment: This sequence change replaces arginine, which is basic and polar, with histidine, which is basic and polar, at codon 1289 of the NLRP1 protein (p.Arg1289His). This variant is present in population databases (rs151213275, gnomAD 0.04%). This missense change has been observed in individual(s) with vitiligo (PMID: 23382179). ClinVar contains an entry for this variant (Variation ID: 1507221). An algorithm developed to predict the effect of missense changes on protein structure and function outputs the following: PolyPhen-2: "Probably Damaging". The histidine amino acid residue is found in multiple mammalian species, which suggests that this missense change does not adversely affect protein function. In summary, the available evidence is currently insufficient to determine the role of this variant in disease. Therefore, it has been classified as a Variant of Uncertain Significance.

Literature cited by the submitters: PubMed 23382179.

NM_033004.4(NLRP1):c.3866G>A (p.Arg1289His)

Gene: NLRP1 (NLR family pyrin domain containing 1; minus strand). Cytogenetic location: 17p13.2.
Variant type: single nucleotide variant.
Coding change: c.3866G>A on transcript NM_033004.4 (MANE Select); coding-DNA position 3866, G replaced by A.
Protein change: p.Arg1289His; replaces arginine 1289 with histidine.
Molecular consequence: missense variant. On other transcripts: intron variant (2).
Genome position (GRCh38, 1-based): chr17:5,520,930, C>T on the plus strand (G>A on the coding strand, the complement: NLRP1 is on the minus strand). VCF-style: chr17-5520930-C-T. GRCh37 (hg19) VCF-style: chr17-5424250-C-T.
Other names: c.3878G>A, p.Arg1293His (NM_001033053.3); c.3776G>A, p.Arg1259His (NM_033006.4); c.3693+594G>A (NM_033007.4); c.3783+594G>A (NM_014922.5); short protein forms R1289H, R1293H, R1259H.
Identifiers: ClinVar variation 1507221 (VCV001507221.6), dbSNP rs151213275, ClinGen allele CA8326717.
Genomic context (GRCh38, chr17:5,520,930, plus strand): 5'-GGGCTGCTCACCTTGGGGAGTATTTCCAGCATCCCTGAACCAGACCCAGACACAGTGTAA[C>T]GACAGCCCATATAAAGTGGGGTCAGCGGGGGTGGCTTGTGGATTCGCACAAACTGGAATT-3'
Protein context (NP_127497.1, residues 1279-1299): PPLTPLYMGC[Arg1289His]YTVSGSGSGM